The following is an entry in ClinVar:

NM_016816.4(OAS1):c.273G>T (p.Gln91His)

Gene: OAS1 (2'-5'-oligoadenylate synthetase 1; plus strand). Cytogenetic location: 12q24.13.
Variant type: single nucleotide variant.
Coding change: c.273G>T on transcript NM_016816.4 (MANE Select); coding-DNA position 273, G replaced by T.
Protein change: p.Gln91His; replaces glutamine 91 with histidine.
Molecular consequence: missense variant. On other transcripts: non-coding transcript variant (9), intron variant (4).
Genome position (GRCh38, 1-based): chr12:112,908,628, G>T. VCF-style: chr12-112908628-G-T. GRCh37 (hg19) VCF-style: chr12-113346433-G-T.
Other names: c.273G>T, p.Gln91His (NM_001032409.3, NM_001320151.2, NM_001406020.1 and 6 more transcripts); c.180+1409G>T (NM_001406030.1, NM_001406029.1, NM_001406027.1 and 1 more transcripts); short protein forms Q91H.
Identifiers: ClinVar variation 4806655 (VCV004806655.1).

ClinVar aggregate classification (germline): Uncertain significance (1 of 4 stars; one submission).

gnomAD v4.1: 3 of 1,614,220 alleles (0.00019%); highest among the groups gnomAD compares: Non-Finnish European, 0.00025%; no homozygotes.

Submission:

Labcorp Genetics (formerly Invitae), Labcorp
Classification: Uncertain significance. Last evaluated: 2025-05-02. Review status: criteria provided, single submitter. Criteria: Invitae Variant Classification Sherloc (09022015). Collection method: clinical testing. Allele origin: germline.
Comment: This sequence change replaces glutamine, which is neutral and polar, with histidine, which is basic and polar, at codon 91 of the OAS1 protein (p.Gln91His). This variant is not present in population databases (gnomAD no frequency). This variant has not been reported in the literature in individuals affected with OAS1-related conditions. An algorithm developed to predict the effect of missense changes on protein structure and function (PolyPhen-2) suggests that this variant is likely to be disruptive. In summary, the available evidence is currently insufficient to determine the role of this variant in disease. Therefore, it has been classified as a Variant of Uncertain Significance.